The following is an entry in ClinVar:

ClinVar aggregate classification (germline): Conflicting classifications of pathogenicity. Review status: criteria provided, conflicting classifications (1 of 4 stars). 2 submissions from 2 submitters: Likely pathogenic (1); Uncertain significance (1). Last evaluated 2025-07-07.

Conditions:
Hypokalemic periodic paralysis, type 1. Also called: Hypokalemic Periodic Paralysis Type 1 (AD); HypoPP. Identifiers: Orphanet 681, MedGen C3714580, MONDO:0042979, OMIM 170400.
Malignant hyperthermia, susceptibility to, 5 (MHS5). Also called: CACNA1S-Related Malignant Hyperthermia Susceptibility. Identifiers: Orphanet 423, MedGen C1866077, MONDO:0011163, OMIM 601887.

Allele frequency attached by ClinVar (database versions not stated): gnomAD exomes below 0.00001; ExAC 0.00001.
gnomAD v4.1: 2 of 1,606,764 alleles (0.00012%); highest among the groups gnomAD compares: Non-Finnish European, 0.000085%; no homozygotes.

Submissions (2):

Color Diagnostics, LLC DBA Color Health
Classification: Uncertain significance for Malignant hyperthermia, susceptibility to, 5. Last evaluated: 2025-07-07. Review status: criteria provided, single submitter. Criteria: ACMG Guidelines, 2015. Collection method: clinical testing. Allele origin: germline.
Comment: This variant causes a G to A nucleotide substitution at the -1 position of intron 26 of the CACNA1S gene. Splice site prediction tools suggest that this variant may have a significant impact on RNA splicing. This variant has not been reported in individuals affected with CACNA1S-related disorders in the literature. Loss of CACNA1S function due to haploinsufficiency is not an established disease mechanism for autosomal dominant malignant hyperthermia susceptibility, although it has been associated with other phenotypes (ClinVar Variation ID: 1314285). This variant has been identified in 1/251152 chromosomes in the general population by the Genome Aggregation Database (gnomAD). Due to insufficient evidence, this variant is classified as a Variant of Uncertain Significance for autosomal dominant malignant hyperthermia.

Labcorp Genetics (formerly Invitae), Labcorp
Classification: Likely pathogenic for Hypokalemic periodic paralysis, type 1; Malignant hyperthermia, susceptibility to, 5. Last evaluated: 2023-11-27. Review status: criteria provided, single submitter. Criteria: Invitae Variant Classification Sherloc (09022015). Collection method: clinical testing. Allele origin: germline.
Comment: This sequence change affects an acceptor splice site in intron 26 of the CACNA1S gene. It is expected to disrupt RNA splicing. Variants that disrupt the donor or acceptor splice site typically lead to a loss of protein function (PMID: 16199547), and loss-of-function variants in CACNA1S are known to be pathogenic (PMID: 26247046, 28012042). This variant is present in population databases (rs780724976, gnomAD 0.0009%). This variant has not been reported in the literature in individuals affected with CACNA1S-related conditions. ClinVar contains an entry for this variant (Variation ID: 1324005). Algorithms developed to predict the effect of sequence changes on RNA splicing suggest that this variant may disrupt the consensus splice site. In summary, the currently available evidence indicates that the variant is pathogenic, but additional data are needed to prove that conclusively. Therefore, this variant has been classified as Likely Pathogenic.

Literature cited by the submitters: PubMed 16199547 (cited by Labcorp Genetics (formerly Invitae), Labcorp); PubMed 26247046 (cited by Labcorp Genetics (formerly Invitae), Labcorp); PubMed 28012042 (cited by Labcorp Genetics (formerly Invitae), Labcorp).

NM_000069.3(CACNA1S):c.3415-1G>A

Gene: CACNA1S (calcium voltage-gated channel subunit alpha1 S; minus strand). Cytogenetic location: 1q32.1.
Variant type: single nucleotide variant.
Coding change: c.3415-1G>A on transcript NM_000069.3 (MANE Select); the canonical splice acceptor site of the intron before coding-DNA position 3415, G replaced by A.
Molecular consequence: splice acceptor variant.
Genome position (GRCh38, 1-based): chr1:201,059,300, C>T on the plus strand (G>A on the coding strand, the complement: CACNA1S is on the minus strand). VCF-style: chr1-201059300-C-T. GRCh37 (hg19) VCF-style: chr1-201028428-C-T.
Identifiers: ClinVar variation 1324005 (VCV001324005.10), dbSNP rs780724976, ClinGen allele CA079669.